The following is an entry in ClinVar:

NM_020937.4(FANCM):c.5717-24_5833del

Gene: FANCM (FA complementation group M; plus strand). Cytogenetic location: 14q21.2.
Variant type: Deletion.
Coding change: c.5717-24_5833del on transcript NM_020937.4 (MANE Select); 24 bases into the intron before coding-DNA position 5717 through coding-DNA position 5833, 141 bases deleted.
Molecular consequence: splice acceptor variant.
Genome position (GRCh38, 1-based): chr14:45,198,620-45,198,760, 141 bases deleted. GRCh37 (hg19): chr14:45,667,823-45,667,963.
Other names: c.5639-24_5755del (NM_001308133.2).
Identifiers: ClinVar variation 3633152 (VCV003633152.2).

ClinVar aggregate classification (germline): Likely pathogenic (1 of 4 stars; one submission).

Conditions:
Fanconi anemia (FA). Also called: Fanconi's anemia. Identifiers: Orphanet 84, MedGen C0015625, MeSH D005199, MONDO:0019391.

Submission:

Labcorp Genetics (formerly Invitae), Labcorp
Classification: Likely pathogenic for Fanconi anemia. Last evaluated: 2024-01-23. Review status: criteria provided, single submitter. Criteria: Invitae Variant Classification Sherloc (09022015). Collection method: clinical testing. Allele origin: germline.
Comment: This variant results in the deletion of part of exon 22 (c.5717-24_5833del) of the FANCM gene. It is expected to disrupt RNA splicing. Variants that disrupt the donor or acceptor splice site typically lead to a loss of protein function (PMID: 16199547), and loss-of-function variants in FANCM are known to be pathogenic (PMID: 29895858, 30075111). This variant is not present in population databases (gnomAD no frequency). This variant has not been reported in the literature in individuals affected with FANCM-related conditions. In summary, the currently available evidence indicates that the variant is pathogenic, but additional data are needed to prove that conclusively. Therefore, this variant has been classified as Likely Pathogenic.

Literature cited by the submitters: PubMed 16199547; PubMed 29895858; PubMed 30075111.